The following is an entry in ClinVar:

NM_006206.6(PDGFRA):c.2880+1G>A

Gene: PDGFRA (platelet derived growth factor receptor alpha; plus strand). Cytogenetic location: 4q12.
Variant type: single nucleotide variant.
Coding change: c.2880+1G>A on transcript NM_006206.6 (MANE Select); the canonical splice donor site of the intron after coding-DNA position 2880, G replaced by A.
Molecular consequence: splice donor variant.
Genome position (GRCh38, 1-based): chr4:54,289,115, G>A. VCF-style: chr4-54289115-G-A. GRCh37 (hg19) VCF-style: chr4-55155282-G-A.
Other names: c.2880+1G>A (NM_006206.4, NM_001347829.2); c.2955+1G>A (NM_001347828.2); c.2919+1G>A (NM_001347830.2).
Identifiers: ClinVar variation 1463364 (VCV001463364.7), dbSNP rs1724504713, ClinGen allele CA356895890.
Genomic context (GRCh38, chr4:54,289,115, plus strand): 5'-CCCTCCTTTTACCACCTGAGTGAGATTGTGGAGAATCTGCTGCCTGGACAATATAAAAAG[G>A]TGTGTTTGGATCTGTGGGTGGAAAGGTCTGGATAAAGCTGGAAGTTATACCAGTGAGCTG-3'

ClinVar aggregate classification (germline): Uncertain significance. Review status: criteria provided, multiple submitters, no conflicts (2 of 4 stars). 2 submissions from 2 submitters: Uncertain significance (2). Last evaluated 2026-02-11.

Conditions:
Hereditary cancer-predisposing syndrome. Also called: Hereditary neoplastic syndrome; Tumor predisposition; Hereditary Cancer Syndrome; Neoplastic Syndromes, Hereditary. Identifiers: Orphanet 140162, MedGen C0027672, MeSH D009386, MONDO:0015356.
Gastrointestinal stromal tumor. Also called: Gastrointestinal stroma tumor; Gastrointestinal stromal tumor, somatic. Identifiers: Orphanet 44890, MedGen C0238198, MeSH D046152, MONDO:0011719, OMIM 606764, HP:0100723.

Submissions (2):

Ambry Genetics
Classification: Uncertain significance for Hereditary cancer-predisposing syndrome. Last evaluated: 2026-02-11. Review status: criteria provided, single submitter. Criteria: Ambry Variant Classification Scheme 2023. Collection method: clinical testing. Allele origin: germline.
Comment: The c.2880+1G>A intronic variant results from a G to A substitution one nucleotide after coding exon 20 of the PDGFRA gene. This nucleotide position is highly conserved in available vertebrate species. In silico splice site analysis predicts that this alteration will weaken the native splice donor site. Variants that disrupt the canonical splice site are expected to cause aberrant splicing, resulting in an abnormal protein or a transcript that is subject to nonsense-mediated mRNA decay. However, loss of function has not been established as a mechanism of disease. Based on the available evidence, the clinical significance of this variant remains unclear.

Labcorp Genetics (formerly Invitae), Labcorp
Classification: Uncertain significance for Gastrointestinal stromal tumor. Last evaluated: 2021-09-18. Review status: criteria provided, single submitter. Criteria: Invitae Variant Classification Sherloc (09022015). Collection method: clinical testing. Allele origin: germline.
Comment: This sequence change affects a donor splice site in intron 21 of the PDGFRA gene. It is expected to disrupt RNA splicing. Variants that disrupt the donor or acceptor splice site typically lead to a loss of protein function (PMID: 16199547), however the current clinical and genetic evidence is not sufficient to establish whether loss-of-function variants in PDGFRA cause disease. This variant is not present in population databases (ExAC no frequency). This variant has not been reported in the literature in individuals affected with PDGFRA-related conditions. Algorithms developed to predict the effect of sequence changes on RNA splicing suggest that this variant may disrupt the consensus splice site. In summary, the available evidence is currently insufficient to determine the role of this variant in disease. Therefore, it has been classified as a Variant of Uncertain Significance.

Literature cited by the submitters: PubMed 16199547 (cited by Labcorp Genetics (formerly Invitae), Labcorp).